The following is an entry in ClinVar:

NM_000487.6(ARSA):c.855-1G>T

Gene: ARSA (arylsulfatase A; minus strand). Cytogenetic location: 22q13.33.
Variant type: single nucleotide variant.
Coding change: c.855-1G>T on transcript NM_000487.6 (MANE Select); the canonical splice acceptor site of the intron before coding-DNA position 855, G replaced by T.
Molecular consequence: splice acceptor variant.
Genome position (GRCh38, 1-based): chr22:50,626,279, C>A on the plus strand (G>T on the coding strand, the complement: ARSA is on the minus strand). VCF-style: chr22-50626279-C-A. GRCh37 (hg19) VCF-style: chr22-51064707-C-A.
Other names: c.597-1G>T (NM_001362782.2, NM_001085428.3); c.855-1G>T (NM_001085427.3, NM_001085426.3, NM_001085425.3).
Identifiers: ClinVar variation 3646720 (VCV003646720.2).
Genomic context (GRCh38, chr22:50,626,279, plus strand): 5'-CCCTTTCCACACCGCAAGAGACCGGAGCAGCCGCCTCGGGACATACGCATGGTCTCAGGT[C>A]TGGGACACAGGAGGCGCTCATGAGCCATGGAGCCACAGCCTCTGAGCCACCGAGGGTGAC-3'

ClinVar aggregate classification (germline): Pathogenic (1 of 4 stars; one submission).

Conditions:
Metachromatic leukodystrophy (MLD). Also called: CEREBROSIDE SULFATASE DEFICIENCY; ARSA DEFICIENCY; METACHROMATIC LEUKOENCEPHALOPATHY; SULFATIDE LIPIDOSIS; Cerebral sclerosis diffuse metachromatic form; Arylsulfatase A Deficiency. Identifiers: Orphanet 512, MedGen C0023522, MONDO:0018868, OMIM 250100.

Submission:

Labcorp Genetics (formerly Invitae), Labcorp
Classification: Pathogenic for Metachromatic leukodystrophy. Last evaluated: 2024-03-19. Review status: criteria provided, single submitter. Criteria: Invitae Variant Classification Sherloc (09022015). Collection method: clinical testing. Allele origin: germline.
Comment: This sequence change affects an acceptor splice site in intron 4 of the ARSA gene. It is expected to disrupt RNA splicing. Variants that disrupt the donor or acceptor splice site typically lead to a loss of protein function (PMID: 16199547), and loss-of-function variants in ARSA are known to be pathogenic (PMID: 8962139, 10477432). This variant is not present in population databases (gnomAD no frequency). Disruption of this splice site has been observed in individuals with metachromatic leukodystrophy (PMID: 14571263, 18786133). Algorithms developed to predict the effect of sequence changes on RNA splicing suggest that this variant may disrupt the consensus splice site. For these reasons, this variant has been classified as Pathogenic.

Literature cited by the submitters: PubMed 16199547; PubMed 8962139; PubMed 10477432; PubMed 14571263; PubMed 18786133.